The following is an entry in ClinVar:

NM_000310.4(PPT1):c.124+18T>G

Genes: PPT1 (palmitoyl-protein thioesterase 1; minus strand), LOC129930245 (ATAC-STARR-seq lymphoblastoid active region 829; plus strand). Cytogenetic location: 1p34.2.
Variant type: single nucleotide variant.
Coding change: c.124+18T>G on transcript NM_000310.4 (MANE Select); 18 bases into the intron after coding-DNA position 124, T replaced by G.
Molecular consequence: intron variant.
Genome position (GRCh38, 1-based): chr1:40,097,097, A>C on the plus strand (T>G on the coding strand, the complement: PPT1 is on the minus strand). VCF-style: chr1-40097097-A-C. GRCh37 (hg19) VCF-style: chr1-40562769-A-C.
Other names: c.124+18T>G (NM_001142604.2, NM_001363695.2).
Identifiers: ClinVar variation 138801 (VCV000138801.15), dbSNP rs113394351, ClinGen allele CA292910.
Genomic context (GRCh38, chr1:40,097,097, plus strand): 5'-ACCCGCATTTTGCAGATGCGAACCCAGGCTAGGAAGAGAGAGAATCGCCAAACCCTTTTA[A>C]ATTTCTCACTCACTCACCCATCCCATGCCAGATCACCAACGGCAGCGGCGCCGGCGGGTC-3'

ClinVar aggregate classification (germline): Benign. Review status: criteria provided, multiple submitters, no conflicts (2 of 4 stars). 5 submissions from 5 submitters: Benign (4). 1 of the submissions does not count toward it. Last evaluated 2026-02-04.

Conditions:
Neuronal ceroid lipofuscinosis 1 (CLN1). Also called: CEROID LIPOFUSCINOSIS, NEURONAL, 1, VARIABLE AGE AT ONSET; PPT1-Related Neuronal Ceroid-Lipofuscinosis. Identifiers: Orphanet 228329, MedGen C1850451, MONDO:0009744, OMIM 256730.

Allele frequency attached by ClinVar (database versions not stated): ESP Exome Variant Server 0.01976; gnomAD exomes 0.00157 and 0.00434; ExAC 0.00525; gnomAD 0.01636 and 0.01757; 1000 Genomes Project 0.01657; 1000 Genomes Project 30x 0.01702; TOPMed 0.01865.
gnomAD v4.1: 4,882 of 1,613,914 alleles (0.3%); highest among the groups gnomAD compares: African/African-American, 5.7%; 120 homozygotes.

Submissions (8):

Labcorp Genetics (formerly Invitae), Labcorp
Classification: Benign for Neuronal ceroid lipofuscinosis 1. Last evaluated: 2026-02-04. Review status: criteria provided, single submitter. Criteria: Invitae Variant Classification Sherloc (09022015). Collection method: clinical testing. Allele origin: germline.

GeneDx
Classification: Benign. Last evaluated: 2012-03-22. Review status: criteria provided, single submitter. Criteria: GeneDx Variant Classification (06012015). Collection method: clinical testing. Allele origin: germline. Affected: yes.
Comment: This variant is considered likely benign or benign based on one or more of the following criteria: it is a conservative change, it occurs at a poorly conserved position in the protein, it is predicted to be benign by multiple in silico algorithms, and/or has population frequency not consistent with disease.

Breakthrough Genomics
Classification: Benign. Review status: criteria provided, single submitter. Criteria: ACMG Guidelines, 2015. Collection method: not provided. Allele origin: germline. Inheritance: Autosomal recessive inheritance. Affected: yes.

PreventionGenetics, part of Exact Sciences
Classification: Benign. Review status: criteria provided, single submitter. Criteria: ACMG Guidelines, 2015. Collection method: clinical testing. Allele origin: germline.

Mayo Clinic Laboratories, Mayo Clinic
Classification: Benign. Last evaluated: 2017-05-15. Review status: no assertion criteria provided. Collection method: clinical testing. Allele origin: unknown. Not counted in ClinVar's aggregate classification.

Dr. Peter K. Rogan Lab, Western University
No classification provided (evidence only). Condition: Acute myeloid leukemia. Review status: no classification provided. Collection method: in vitro. Allele origin: not applicable. Functional consequence: retained intron. Not counted in ClinVar's aggregate classification.

Dr. Peter K. Rogan Lab, Western University
No classification provided (evidence only). Condition: Uterine corpus endometrial carcinoma. Review status: no classification provided. Collection method: in vitro. Allele origin: not applicable. Functional consequence: retained intron. Not counted in ClinVar's aggregate classification.

Dr. Peter K. Rogan Lab, Western University
No classification provided (evidence only). Condition: Malignant tumor of esophagus. Review status: no classification provided. Collection method: in vitro. Allele origin: not applicable. Functional consequence: retained intron. Not counted in ClinVar's aggregate classification.